The following is an entry in ClinVar:

NM_017617.5(NOTCH1):c.5563A>G (p.Met1855Val)

Gene: NOTCH1 (notch receptor 1; minus strand). Cytogenetic location: 9q34.3.
Variant type: single nucleotide variant.
Coding change: c.5563A>G on transcript NM_017617.5 (MANE Select); coding-DNA position 5563, A replaced by G.
Protein change: p.Met1855Val; replaces methionine 1855 with valine.
Molecular consequence: missense variant.
Genome position (GRCh38, 1-based): chr9:136,501,823, T>C on the plus strand (A>G on the coding strand, the complement: NOTCH1 is on the minus strand). VCF-style: chr9-136501823-T-C. GRCh37 (hg19) VCF-style: chr9-139396275-T-C.
Other names: short protein forms M1855V.
Identifiers: ClinVar variation 3300445 (VCV003300445.9).
Genomic context (GRCh38, chr9:136,501,823, plus strand): 5'-TGACGTCCATGCAGTCGGCGTCAACCTCACCCTGGGGCGGTGTGGGGGCCATGGCAGACA[T>C]GCGCAGGTCAGCGGCATCCAGGTGCTGCTGAGTCCACTGCCGGTGGTCTGTCTGGTCGTC-3'
Protein context (NP_060087.3, residues 1845-1865): QQHLDAADLR[Met1855Val]SAMAPTPPQG

ClinVar aggregate classification (germline): Conflicting classifications of pathogenicity. Review status: criteria provided, conflicting classifications (1 of 4 stars). 3 submissions from 3 submitters: Uncertain significance (2); Likely benign (1). Last evaluated 2025-09-01.

Conditions:
Familial thoracic aortic aneurysm and aortic dissection (TAAD). Also called: Thoracic aortic aneurysms and dissections. Identifiers: Orphanet 91387, MedGen C4707243, MONDO:0019625.

Submissions (3):

CeGaT Center for Human Genetics Tuebingen
Classification: Uncertain significance. Last evaluated: 2025-09-01. Review status: criteria provided, single submitter. Criteria: CeGaT Center For Human Genetics Tuebingen Variant Classification Criteria Version 2. Collection method: clinical testing. Allele origin: germline. Affected: yes. Observed: 1 variant allele.
Comment: NOTCH1: PM2:Supporting, BP4

Ambry Genetics
Classification: Likely benign for Familial thoracic aortic aneurysm and aortic dissection. Last evaluated: 2024-03-30. Review status: criteria provided, single submitter. Criteria: Ambry Variant Classification Scheme 2023. Collection method: clinical testing. Allele origin: germline.

GeneDx
Classification: Uncertain significance. Last evaluated: 2024-02-27. Review status: criteria provided, single submitter. Criteria: GeneDx Variant Classification Process June 2021. Collection method: clinical testing. Allele origin: germline. Affected: yes.
Comment: Has not been previously published as pathogenic or benign to our knowledge; Not observed at significant frequency in large population cohorts (gnomAD); In silico analysis supports that this missense variant does not alter protein structure/function